The following is an entry in ClinVar:

NM_032380.5(GFM2):c.945A>G (p.Ile315Met)

Gene: GFM2 (GTP dependent ribosome recycling factor mitochondrial 2; minus strand). Cytogenetic location: 5q13.3.
Variant type: single nucleotide variant.
Coding change: c.945A>G on transcript NM_032380.5 (MANE Select); coding-DNA position 945, A replaced by G.
Protein change: p.Ile315Met; replaces isoleucine 315 with methionine.
Molecular consequence: missense variant. On other transcripts: non-coding transcript variant (1).
Genome position (GRCh38, 1-based): chr5:74,740,123, T>C on the plus strand (A>G on the coding strand, the complement: GFM2 is on the minus strand). VCF-style: chr5-74740123-T-C. GRCh37 (hg19) VCF-style: chr5-74035948-T-C.
Other names: c.945A>G (NM_032380.3); c.1041A>G, p.Ile347Met (NM_001281302.2); c.945A>G, p.Ile315Met (NM_170681.3, NM_170691.3); short protein forms I347M, I315M.
Identifiers: ClinVar variation 1949722 (VCV001949722.9), dbSNP rs756883000, ClinGen allele CA3306640.

ClinVar aggregate classification (germline): Uncertain significance. Review status: criteria provided, multiple submitters, no conflicts (2 of 4 stars). 3 submissions from 3 submitters: Uncertain significance (3). Last evaluated 2026-04-01.

Conditions:
Inborn genetic diseases. Identifiers: MedGen C0950123, MeSH D030342.

Allele frequency attached by ClinVar (database versions not stated): gnomAD 0.00001; TOPMed 0.00001; gnomAD exomes 0.00001; ExAC 0.00001.
gnomAD v4.1: 10 of 1,599,444 alleles (0.00063%); highest among the groups gnomAD compares: South Asian, 0.0011%; no homozygotes.

Submissions (3):

GeneDx
Classification: Uncertain significance. Last evaluated: 2026-04-01. Review status: criteria provided, single submitter. Criteria: GeneDx Variant Classification Process June 2021. Collection method: clinical testing. Allele origin: germline.
Comment: Not observed at significant frequency in large population cohorts (gnomAD); In silico analysis suggests that this missense variant does not alter protein structure/function; Has not been previously published as pathogenic or benign to our knowledge

Ambry Genetics
Classification: Uncertain significance for Inborn genetic diseases. Last evaluated: 2025-08-23. Review status: criteria provided, single submitter. Criteria: Ambry Variant Classification Scheme 2023. Collection method: clinical testing. Allele origin: germline.

Labcorp Genetics (formerly Invitae), Labcorp
Classification: Uncertain significance. Last evaluated: 2022-06-26. Review status: criteria provided, single submitter. Criteria: Invitae Variant Classification Sherloc (09022015). Collection method: clinical testing. Allele origin: germline.
Comment: In summary, the available evidence is currently insufficient to determine the role of this variant in disease. Therefore, it has been classified as a Variant of Uncertain Significance. Algorithms developed to predict the effect of missense changes on protein structure and function are either unavailable or do not agree on the potential impact of this missense change (SIFT: "Deleterious"; PolyPhen-2: "Possibly Damaging"; Align-GVGD: "Class C0"). This variant has not been reported in the literature in individuals affected with GFM2-related conditions. The frequency data for this variant in the population databases is considered unreliable, as metrics indicate poor data quality at this position in the gnomAD database. This sequence change replaces isoleucine, which is neutral and non-polar, with methionine, which is neutral and non-polar, at codon 315 of the GFM2 protein (p.Ile315Met).